The following is an entry in ClinVar:

NM_001276345.2(TNNT2):c.638C>T (p.Thr213Ile)

Gene: TNNT2 (troponin T2, cardiac type; minus strand). Cytogenetic location: 1q32.1.
Variant type: single nucleotide variant.
Coding change: c.638C>T on transcript NM_001276345.2 (MANE Select); coding-DNA position 638, C replaced by T.
Protein change: p.Thr213Ile; replaces threonine 213 with isoleucine.
Molecular consequence: missense variant.
Genome position (GRCh38, 1-based): chr1:201,361,994, G>A on the plus strand (C>T on the coding strand, the complement: TNNT2 is on the minus strand). VCF-style: chr1-201361994-G-A. GRCh37 (hg19) VCF-style: chr1-201331122-G-A.
Other names: c.629C>T, p.Thr210Ile (NM_000364.4); c.608C>T, p.Thr203Ile (NM_001001430.3, NM_001276347.2); c.599C>T, p.Thr200Ile (NM_001001431.3); c.590C>T, p.Thr197Ile (NM_001001432.3); c.509C>T, p.Thr170Ile (NM_001276346.2); short protein forms T203I, T210I, T200I, T213I, T170I, T197I.
Identifiers: ClinVar variation 43658 (VCV000043658.7), dbSNP rs397516476, ClinGen allele CA004848.
Genomic context (GRCh38, chr1:201,361,994, plus strand): 5'-TGGTCAATGGCCAGCACCTTCCTCCTCTCAGCCAGAATCTTCTTCTTCTTTTCCCGCTCA[G>A]TCTGCCTCTTCCCACTTTTCCGCTCTGTCTGGAGGGTGTGGGAAGCAGAGTAAACTGGCC-3'
Protein context (NP_001263274.1, residues 203-223): QTERKSGKRQ[Thr213Ile]EREKKKKILA

ClinVar aggregate classification (germline): Uncertain significance. Review status: criteria provided, multiple submitters, no conflicts (2 of 4 stars). 2 submissions from 2 submitters: Uncertain significance (2). Last evaluated 2025-06-25.

Conditions:
Dilated cardiomyopathy 1D. Identifiers: Orphanet 154, Orphanet 54260, MedGen C1832243, MONDO:0011095, OMIM 601494.

Submissions (2):

3billion
Classification: Uncertain significance for Dilated cardiomyopathy 1D. Last evaluated: 2025-06-25. Review status: criteria provided, single submitter. Criteria: ACMG Guidelines, 2015. Collection method: clinical testing. Allele origin: germline. Affected: yes.
Comment: The variant is not observed in the gnomAD v4.1.0 dataset. Predicted Consequence/Location: Missense variant In silico tool predictions suggest damaging effect of the variant on gene or gene product [REVEL: 0.74 (>=0.6, sensitivity 0.68 and specificity 0.92); 3Cnet: 0.97 (> 0.75, sensitivity 0.96 and precision 0.92)]. A different missense change at the same codon (p.Thr213Asn) has been reported to be associated with TNNT2-related disorder (ClinVar ID: VCV000496077). Therefore, this variant is classified as VUS according to the recommendation of ACMG/AMP guideline.

Laboratory for Molecular Medicine, Mass General Brigham Personalized Medicine
Classification: Uncertain significance. Last evaluated: 2012-11-28. Review status: criteria provided, single submitter. Criteria: LMM Criteria. Collection method: clinical testing. Allele origin: germline. Observed: 1 variant allele.
Comment: The Thr203Ile variant in TNNT2 has not been reported in the literature nor previ ously identified by our laboratory. Computational analyses (biochemical amino a cid properties, conservation, AlignGVGD, PolyPhen2, and SIFT) do not provide str ong support for or against an impact to the protein. Additional information is needed to fully assess the clinical significance of the Thr203Ile variant.